The following is an entry in ClinVar:

ClinVar aggregate classification (germline): Uncertain significance (1 of 4 stars; one submission).

Conditions:
Neurodevelopmental disorder with coarse facies and mild distal skeletal abnormalities. Also called: STOLERMAN NEURODEVELOPMENTAL SYNDROME. Identifiers: MedGen C5193134, MONDO:0032790, OMIM 618505.

gnomAD v4.1: 1 of 1,607,370 alleles (0.000062%); highest among the groups gnomAD compares: African/African-American, 0.0013%; no homozygotes.

Submission:

Dasa
Classification: Uncertain significance for Neurodevelopmental disorder with coarse facies and mild distal skeletal abnormalities. Last evaluated: 2025-11-20. Review status: criteria provided, single submitter. Criteria: DASA Assertion Criteria. Collection method: clinical testing. Allele origin: germline.
Comment: NM_001348716.2(KDM6B):c.1135A>G (p.Thr379Ala) is a missense variant that results in the substitution of threonine with alanine. This variant is rare in population databases. Computational prediction algorithms are consistent with a benign effect. The currently available literature and clinical evidence are not sufficient to establish a definitive association between this variant and the reported condition. Therefore, this variant is classified as a variant of uncertain significance.

NM_001348716.2(KDM6B):c.1135A>G (p.Thr379Ala)

Gene: KDM6B (lysine demethylase 6B; plus strand). Cytogenetic location: 17p13.1.
Variant type: single nucleotide variant.
Coding change: c.1135A>G on transcript NM_001348716.2 (MANE Select); coding-DNA position 1135, A replaced by G.
Protein change: p.Thr379Ala; replaces threonine 379 with alanine.
Molecular consequence: missense variant.
Genome position (GRCh38, 1-based): chr17:7,847,330, A>G. VCF-style: chr17-7847330-A-G. GRCh37 (hg19) VCF-style: chr17-7750648-A-G.
Other names: c.1135A>G, p.Thr379Ala (NM_001080424.2); short protein forms T379A.
Identifiers: ClinVar variation 4883374 (VCV004883374.2).
Genomic context (GRCh38, chr17:7,847,330, plus strand): 5'-GACCTTAGAGAGAGCAGAGTTCAGAGGTCGCGGATGGACTCCAGCGTTTCACCAGCAGCA[A>G]CCACCGCCTGCGTGCCTTACGCCCCTTCCCGGCCCCCTGGCCTCCCCGGCACCACCACCA-3'
Protein context (NP_001335645.1, residues 369-389): RMDSSVSPAA[Thr379Ala]TACVPYAPSR